The following is an entry in ClinVar:

NM_001958.5(EEF1A2):c.357C>T (p.Gly119=)

Gene: EEF1A2 (eukaryotic translation elongation factor 1 alpha 2; minus strand). Cytogenetic location: 20q13.33.
Variant type: single nucleotide variant.
Coding change: c.357C>T on transcript NM_001958.5 (MANE Select); coding-DNA position 357, C replaced by T.
Protein change: p.Gly119=; no amino-acid change (glycine 119 retained).
Molecular consequence: synonymous variant.
Genome position (GRCh38, 1-based): chr20:63,495,069, G>A on the plus strand (C>T on the coding strand, the complement: EEF1A2 is on the minus strand). VCF-style: chr20-63495069-G-A. GRCh37 (hg19) VCF-style: chr20-62126422-G-A.
Identifiers: ClinVar variation 386456 (VCV000386456.22), dbSNP rs143241534, ClinGen allele CA9959111.

ClinVar aggregate classification (germline): Benign/Likely benign. Review status: criteria provided, multiple submitters, no conflicts (2 of 4 stars). 5 submissions from 5 submitters: Benign (1); Likely benign (3). 1 of the submissions does not count toward it. Last evaluated 2026-02-02.

Conditions:
Inborn genetic diseases. Identifiers: MedGen C0950123, MeSH D030342.
EEF1A2-related disorder. Also called: EEF1A2-related condition; EEF1A2-related disorders.
Developmental and epileptic encephalopathy, 33 (DEE33). Also called: Epileptic encephalopathy, early infantile, 33. Identifiers: Orphanet 442835, MedGen C4225337, MONDO:0014625, OMIM 616409.

Allele frequency attached by ClinVar (database versions not stated): gnomAD exomes 0.00009; ExAC 0.00012; 1000 Genomes Project 0.00020; 1000 Genomes Project 30x 0.00031; gnomAD 0.00038 and 0.00041; TOPMed 0.00043; ESP Exome Variant Server 0.00054.
gnomAD v4.1: 119 of 1,611,762 alleles (0.0074%); highest among the groups gnomAD compares: African/African-American, 0.13%; no homozygotes.

Submissions (5):

Labcorp Genetics (formerly Invitae), Labcorp
Classification: Likely benign for Developmental and epileptic encephalopathy, 33. Last evaluated: 2026-02-02. Review status: criteria provided, single submitter. Criteria: Invitae Variant Classification Sherloc (09022015). Collection method: clinical testing. Allele origin: germline.

CeGaT Center for Human Genetics Tuebingen
Classification: Likely benign. Last evaluated: 2025-12-01. Review status: criteria provided, single submitter. Criteria: CeGaT Center For Human Genetics Tuebingen Variant Classification Criteria Version 2. Collection method: clinical testing. Allele origin: germline. Affected: yes. Observed: 1 variant allele.
Comment: EEF1A2: BP4, BP7

GeneDx
Classification: Benign. Last evaluated: 2019-08-28. Review status: criteria provided, single submitter. Criteria: GeneDx Variant Classification Process June 2021. Collection method: clinical testing. Allele origin: germline. Affected: yes.

Ambry Genetics
Classification: Likely benign for Inborn genetic diseases. Last evaluated: 2017-06-09. Review status: criteria provided, single submitter. Criteria: Ambry Variant Classification Scheme 2023. Collection method: clinical testing. Allele origin: germline.

PreventionGenetics, part of Exact Sciences
Classification: Likely benign for EEF1A2-related condition. Last evaluated: 2024-02-08. Review status: no assertion criteria provided. Collection method: clinical testing. Allele origin: germline. Not counted in ClinVar's aggregate classification.
Comment: This variant is classified as likely benign based on ACMG/AMP sequence variant interpretation guidelines (Richards et al. 2015 PMID: 25741868, with internal and published modifications).